The following is an entry in ClinVar:

NM_003235.5(TG):c.6621C>A (p.Gly2207=)

Gene: TG (thyroglobulin; plus strand). Cytogenetic location: 8q24.22.
Variant type: single nucleotide variant.
Coding change: c.6621C>A on transcript NM_003235.5 (MANE Select); coding-DNA position 6621, C replaced by A.
Protein change: p.Gly2207=; no amino-acid change (glycine 2207 retained).
Molecular consequence: synonymous variant.
Genome position (GRCh38, 1-based): chr8:133,017,836, C>A. VCF-style: chr8-133017836-C-A. GRCh37 (hg19) VCF-style: chr8-134030081-C-A.
Identifiers: ClinVar variation 2658838 (VCV002658838.24), dbSNP rs768045651, ClinGen allele CA4884989.

ClinVar aggregate classification (germline): Likely benign (1 of 4 stars; one submission).

Allele frequency attached by ClinVar (database versions not stated): ExAC 0.00001.
gnomAD v4.1: 2 of 1,614,186 alleles (0.00012%); highest among the groups gnomAD compares: East Asian, 0.0022%; no homozygotes.

Submission:

CeGaT Center for Human Genetics Tuebingen
Classification: Likely benign. Last evaluated: 2022-07-01. Review status: criteria provided, single submitter. Criteria: CeGaT Center For Human Genetics Tuebingen Variant Classification Criteria Version 2. Collection method: clinical testing. Allele origin: germline. Affected: yes. Observed: 1 variant allele.
Comment: TG: BP4, BP7